The following is an entry in ClinVar:

NM_000152.5(GAA):c.1377dup (p.Glu460fs)

Gene: GAA (alpha glucosidase; plus strand). Cytogenetic location: 17q25.3.
Variant type: Duplication.
Coding change: c.1377dup on transcript NM_000152.5 (MANE Select); coding-DNA position 1377, one base duplicated (C; older notation c.1377dupC).
Protein change: p.Glu460fs; shifts the reading frame from glutamic acid 460.
Molecular consequence: frameshift variant.
Genome position (GRCh38, 1-based): chr17:80,109,995, C duplicated. VCF-style (leftmost placement, unchanged base first): chr17-80109994-A-AC. GRCh37 (hg19) VCF-style: chr17-78083793-A-AC.
Other names: c.1377dup, p.Glu460fs (NM_001079803.3, NM_001079804.3); c.1377dupC (NM_000152.4); short protein forms E460fs.
Identifiers: ClinVar variation 836467 (VCV000836467.13), dbSNP rs2039192386, ClinGen allele CA916082443.

ClinVar aggregate classification (germline): Pathogenic/Likely pathogenic. Review status: criteria provided, multiple submitters, no conflicts (2 of 4 stars). 4 submissions from 4 submitters: Pathogenic (2); Likely pathogenic (2). Last evaluated 2025-08-19.

Conditions:
Glycogen storage disease, type II (IOPD). Also called: GLYCOGENOSIS, GENERALIZED, CARDIAC FORM; GSD II; Pompe Disease; Glycogen storage disease type 2; Acid maltase deficiency disease; Aglucosidase alfa. Identifiers: Orphanet 365, MedGen C0017921, MONDO:0009290, OMIM 232300.

Submissions (4):

Natera, Inc.
Classification: Likely pathogenic for Glycogen storage disease type II. Last evaluated: 2025-08-19. Review status: criteria provided, single submitter. Criteria: Natera Variant Classification Schema (03/2026). Collection method: clinical testing. Allele origin: germline.
Comment: The c.1377dupC variant in GAA is a frameshift variant predicted to shift the reading frame beginning at codon 460 and leads to a stop codon 46 codons downstream. This variant is expected to result in nonsense mediated decay, truncation, or a dysfunctional protein product. This variant is rare in the general population with a frequency below the threshold expected for the associated phenotype(s). Given the available evidence, this variant is classified as Likely Pathogenic.

Labcorp Genetics (formerly Invitae), Labcorp
Classification: Pathogenic for Glycogen storage disease, type II. Last evaluated: 2024-05-19. Review status: criteria provided, single submitter. Criteria: Invitae Variant Classification Sherloc (09022015). Collection method: clinical testing. Allele origin: germline.
Comment: This sequence change creates a premature translational stop signal (p.Glu460Argfs*46) in the GAA gene. It is expected to result in an absent or disrupted protein product. Loss-of-function variants in GAA are known to be pathogenic (PMID: 18425781, 22252923). This variant is not present in population databases (gnomAD no frequency). This variant has not been reported in the literature in individuals affected with GAA-related conditions. ClinVar contains an entry for this variant (Variation ID: 836467). For these reasons, this variant has been classified as Pathogenic.

Baylor Genetics
Classification: Likely pathogenic for Glycogen storage disease, type II. Last evaluated: 2022-08-10. Review status: criteria provided, single submitter. Criteria: ACMG Guidelines, 2015. Collection method: clinical testing. Allele origin: unknown.

Revvity Omics, Revvity
Classification: Pathogenic. Last evaluated: 2020-10-20. Review status: criteria provided, single submitter. Criteria: ACMG Guidelines, 2015. Collection method: clinical testing. Allele origin: germline.

Literature cited by the submitters: PubMed 18425781 (cited by Labcorp Genetics (formerly Invitae), Labcorp); PubMed 22252923 (cited by Labcorp Genetics (formerly Invitae), Labcorp).